The following is an entry in ClinVar:

NM_000363.5(TNNI3):c.570C>T (p.Asp190=)

Gene: TNNI3 (troponin I3, cardiac type; minus strand). Cytogenetic location: 19q13.42.
Variant type: single nucleotide variant.
Coding change: c.570C>T on transcript NM_000363.5 (MANE Select); coding-DNA position 570, C replaced by T.
Protein change: p.Asp190=; no amino-acid change (aspartic acid 190 retained).
Molecular consequence: synonymous variant.
Genome position (GRCh38, 1-based): chr19:55,151,897, G>A on the plus strand (C>T on the coding strand, the complement: TNNI3 is on the minus strand). VCF-style: chr19-55151897-G-A. GRCh37 (hg19) VCF-style: chr19-55663265-G-A.
Identifiers: ClinVar variation 1616902 (VCV001616902.9), dbSNP rs1131691856, ClinGen allele CA508989352.
Genomic context (GRCh38, chr19:55,151,897, plus strand): 5'-GCTCTCAAACTTTTTCTTGCGGCCCTCCATTCCACTCAGTGCATCGATGTTCTTGCGCCA[G>A]TCTCCCACCTCCCGGTTTTCCTGGAGGATGGCGATGAGTCAGAGGTTAGGGTCTCTTCTT-3'
Protein context (NP_000354.4, residues 180-200): DTEKENREVG[Asp190=]WRKNIDALSG

ClinVar aggregate classification (germline): Likely benign. Review status: criteria provided, multiple submitters, no conflicts (2 of 4 stars). 2 submissions from 2 submitters: Likely benign (2). Last evaluated 2023-03-23.

Conditions:
Hypertrophic cardiomyopathy. Also called: HYPERTROPHIC MYOCARDIOPATHY. Identifiers: Orphanet 217569, MedGen C0007194, MeSH D002312, MONDO:0005045, HP:0001639.

Submissions (2):

All of Us Research Program, National Institutes of Health
Classification: Likely benign for Hypertrophic cardiomyopathy. Last evaluated: 2023-03-23. Review status: criteria provided, single submitter. Criteria: ACMG Guidelines, 2015. Collection method: clinical testing. Allele origin: germline. Inheritance: Autosomal dominant inheritance. Observed: 1 variant allele, 1 heterozygote.
Comment: This study involves interpretation of variants in research participants for the purpose of population health screening. Participant phenotype was not available at the time of variant classification. Additional details can be found in publication PMID: 35346344, PMCID: PMC8962531

Labcorp Genetics (formerly Invitae), Labcorp
Classification: Likely benign for Hypertrophic cardiomyopathy. Last evaluated: 2021-11-13. Review status: criteria provided, single submitter. Criteria: Invitae Variant Classification Sherloc (09022015). Collection method: clinical testing. Allele origin: germline.